The following is an entry in ClinVar:

ClinVar aggregate classification (germline): Benign. Review status: criteria provided, multiple submitters, no conflicts (2 of 4 stars). 3 submissions from 3 submitters: Benign (2). 1 of the submissions does not count toward it. Last evaluated 2026-02-01.

Conditions:
MESP1-related disorder. Also called: MESP1-related condition.

Allele frequency attached by ClinVar (database versions not stated): gnomAD exomes 0.00127 and 0.00388; ExAC 0.01101; ESP Exome Variant Server 0.01122; gnomAD 0.01465 and 0.01559; TOPMed 0.01639; 1000 Genomes Project 0.01877; 1000 Genomes Project 30x 0.01905.
gnomAD v4.1: 3,756 of 1,261,892 alleles (0.3%); highest among the groups gnomAD compares: African/African-American, 5%; 95 homozygotes.

Submissions (3):

Labcorp Genetics (formerly Invitae), Labcorp
Classification: Benign. Last evaluated: 2026-02-01. Review status: criteria provided, single submitter. Criteria: Invitae Variant Classification Sherloc (09022015). Collection method: clinical testing. Allele origin: germline.

Breakthrough Genomics
Classification: Benign. Review status: criteria provided, single submitter. Criteria: ACMG Guidelines, 2015. Collection method: not provided. Allele origin: germline. Inheritance: Unknown mechanism. Affected: yes.

PreventionGenetics, part of Exact Sciences
Classification: Benign for MESP1-related condition. Last evaluated: 2019-04-15. Review status: no assertion criteria provided. Collection method: clinical testing. Allele origin: germline. Not counted in ClinVar's aggregate classification.
Comment: This variant is classified as benign based on ACMG/AMP sequence variant interpretation guidelines (Richards et al. 2015 PMID: 25741868, with internal and published modifications).

NM_018670.4(MESP1):c.33G>C (p.Glu11Asp)

Genes: MESP1 (mesoderm posterior bHLH transcription factor 1; minus strand), LOC130057889 (ATAC-STARR-seq lymphoblastoid silent region 6804; plus strand). Cytogenetic location: 15q26.1.
Variant type: single nucleotide variant.
Coding change: c.33G>C on transcript NM_018670.4 (MANE Select); coding-DNA position 33, G replaced by C.
Protein change: p.Glu11Asp; replaces glutamic acid 11 with aspartic acid.
Molecular consequence: missense variant.
Genome position (GRCh38, 1-based): chr15:89,751,199, C>G on the plus strand (G>C on the coding strand, the complement: MESP1 is on the minus strand). VCF-style: chr15-89751199-C-G. GRCh37 (hg19) VCF-style: chr15-90294430-C-G.
Other names: c.33G>C (NM_018670.3); short protein forms E11D.
Identifiers: ClinVar variation 1598688 (VCV001598688.11), dbSNP rs190259690, ClinGen allele CA7730325.
Genomic context (GRCh38, chr15:89,751,199, plus strand): 5'-GTCCTTGTCGGAGGGCGGCGGCCGCCGAGTTGGGCCCCAGGCCGCAGAGAGCATCCAGGA[C>G]TCGGAGAGCGGCGGGCACAGGGGCTGGGCCATGGCAGCGGCGGCGCGTCTGGGGGCCGGC-3'
Protein context (NP_061140.1, residues 1-21): MAQPLCPPLS[Glu11Asp]SWMLSAAWGP